The following is an entry in ClinVar:

NM_016106.4(SCFD1):c.209T>C (p.Ile70Thr)

Gene: SCFD1 (sec1 family domain containing 1; plus strand). Cytogenetic location: 14q12.
Variant type: single nucleotide variant.
Coding change: c.209T>C on transcript NM_016106.4 (MANE Select); coding-DNA position 209, T replaced by C.
Protein change: p.Ile70Thr; replaces isoleucine 70 with threonine.
Molecular consequence: missense variant. On other transcripts: 5 prime UTR variant (2), intron variant (2).
Genome position (GRCh38, 1-based): chr14:30,630,553, T>C. VCF-style: chr14-30630553-T-C. GRCh37 (hg19) VCF-style: chr14-31099759-T-C.
Other names: c.-259T>C (NM_001283031.1); c.-45T>C (NM_001283033.1); c.8T>C, p.Ile3Thr (NM_182835.2); c.44+2274T>C (NM_001283032.1); c.-55-3394T>C (NM_001257376.1); short protein forms I3T, I70T.
Identifiers: ClinVar variation 976653 (VCV000976653.7), dbSNP rs61754480, ClinGen allele CA7142206.
Genomic context (GRCh38, chr14:30,630,553, plus strand): 5'-GATTTGGCCAAGATATAATCTCTCCTCTGCTATCTGTGAAGGAGCTAAGAGACATGGGAA[T>C]CACTCTGCATCTGTGAGTTTTTACATATTTCTAATAGTGGTATTCATTTAAAGAACATTT-3'
Protein context (NP_057190.2, residues 60-80): LSVKELRDMG[Ile70Thr]TLHLLLHSDR

ClinVar aggregate classification (germline): Uncertain significance. Review status: criteria provided, multiple submitters, no conflicts (2 of 4 stars). 3 submissions from 3 submitters: Uncertain significance (2). 1 of the submissions does not count toward it. Last evaluated 2020-07-31.

Conditions:
Amyotrophic lateral sclerosis (ALS). Also called: Charcot disease; Lou Gehrig disease. Identifiers: Orphanet 803, MedGen C0002736, MONDO:0004976, HP:0007354.
SCFD1-related disorder. Also called: SCFD1-related condition.

Allele frequency attached by ClinVar (database versions not stated): 1000 Genomes Project 30x 0.00219; 1000 Genomes Project 0.00220; gnomAD exomes 0.00324 and 0.00330; gnomAD 0.00326 and 0.00332; ExAC 0.00329; TOPMed 0.00349; ESP Exome Variant Server 0.00377.

Submissions (3):

UM ALS/MND Lab, University Of Malta
Classification: Uncertain significance for Amyotrophic lateral sclerosis. Last evaluated: 2020-07-31. Review status: criteria provided, single submitter. Criteria: ACMG Guidelines, 2015. Collection method: case-control. Allele origin: unknown. Inheritance: Autosomal dominant inheritance. Affected: yes. Observed: 1 heterozygote.
Comment: Frequency of the Ile70Thr variant in the SCFD1 gene is slightly higher for ALS patients (0.004660) compared to controls (0.003843) within the Project MinE ALS case-control cohort. In this context, since the evidence is not strong enough to support causation or genetic risk, the variant has been classified as having uncertain significance.

Breakthrough Genomics
Classification: Uncertain significance. Review status: criteria provided, single submitter. Criteria: ACMG Guidelines, 2015. Collection method: not provided. Allele origin: germline. Inheritance: Unknown mechanism. Affected: yes.

PreventionGenetics, part of Exact Sciences
Classification: Likely benign for SCFD1-related condition. Last evaluated: 2022-04-21. Review status: no assertion criteria provided. Collection method: clinical testing. Allele origin: germline. Not counted in ClinVar's aggregate classification.
Comment: This variant is classified as likely benign based on ACMG/AMP sequence variant interpretation guidelines (Richards et al. 2015 PMID: 25741868, with internal and published modifications).